The following is an entry in ClinVar:

ClinVar aggregate classification (germline): Pathogenic (1 of 4 stars; one submission).

Submission:

GeneDx
Classification: Pathogenic. Last evaluated: 2024-01-12. Review status: criteria provided, single submitter. Criteria: GeneDx Variant Classification Process June 2021. Collection method: clinical testing. Allele origin: germline. Affected: yes.
Comment: Not observed at significant frequency in large population cohorts (gnomAD); In silico analysis supports that this missense variant has a deleterious effect on protein structure/function; Has not been previously published as pathogenic or benign to our knowledge

NM_024496.4(IRF2BPL):c.1396C>G (p.His466Asp)

Gene: IRF2BPL (interferon regulatory factor 2 binding protein like; minus strand). Cytogenetic location: 14q24.3.
Variant type: single nucleotide variant.
Coding change: c.1396C>G on transcript NM_024496.4 (MANE Select); coding-DNA position 1396, C replaced by G.
Protein change: p.His466Asp; replaces histidine 466 with aspartic acid.
Molecular consequence: missense variant.
Genome position (GRCh38, 1-based): chr14:77,026,397, G>C on the plus strand (C>G on the coding strand, the complement: IRF2BPL is on the minus strand). VCF-style: chr14-77026397-G-C. GRCh37 (hg19) VCF-style: chr14-77492740-G-C.
Other names: short protein forms H466D.
Identifiers: ClinVar variation 3343912 (VCV003343912.1).